The following is an entry in ClinVar:

NM_001365951.3(KIF1B):c.4941T>G (p.Asp1647Glu)

Gene: KIF1B (kinesin family member 1B; plus strand). Cytogenetic location: 1p36.22.
Variant type: single nucleotide variant.
Coding change: c.4941T>G on transcript NM_001365951.3 (MANE Select); coding-DNA position 4941, T replaced by G.
Protein change: p.Asp1647Glu; replaces aspartic acid 1647 with glutamic acid.
Molecular consequence: missense variant.
Genome position (GRCh38, 1-based): chr1:10,371,257, T>G. VCF-style: chr1-10371257-T-G. GRCh37 (hg19) VCF-style: chr1-10431315-T-G.
Other names: c.4941T>G, p.Asp1647Glu (NM_001365952.1); c.4803T>G, p.Asp1601Glu (NM_015074.3); short protein forms D1647E, D1601E.
Identifiers: ClinVar variation 4543693 (VCV004543693.1).
Genomic context (GRCh38, chr1:10,371,257, plus strand): 5'-CACCCTCACTCCCTCCTCCACCTGTCCCTCTCTGGTAGACTCTAGGAGCAACTCTCTGGA[T>G]CAGAAGTAAGTACCCAGATTTCACTGAGAGAAGTCAATCTAAGAACCAAGGTAAATGTCA-3'
Protein context (NP_001352880.1, residues 1637-1657): SLVDSRSNSL[Asp1647Glu]QKTPEANSRA

ClinVar aggregate classification (germline): Uncertain significance (1 of 4 stars; one submission).

Submission:

Ambry Genetics
Classification: Uncertain significance. Last evaluated: 2025-12-10. Review status: criteria provided, single submitter. Criteria: Ambry Variant Classification Scheme 2023. Collection method: clinical testing. Allele origin: germline.
Comment: The p.D1601E variant (also known as c.4803T>G), located in coding exon 42 of the KIF1B gene, results from a T to G substitution at nucleotide position 4803. The aspartic acid at codon 1601 is replaced by glutamic acid, an amino acid with highly similar properties. This amino acid position is conserved. In addition, this alteration is predicted to be tolerated by in silico analysis. Based on the available evidence, the clinical significance of this variant remains unclear.